The following is an entry in ClinVar:

ClinVar aggregate classification (germline): Uncertain significance (1 of 4 stars; one submission).

Conditions:
Alpha thalassemia-X-linked intellectual disability syndrome (ATRX). Also called: ALPHA-THALASSEMIA/MENTAL RETARDATION SYNDROME, X-LINKED; ATR, NONDELETION TYPE; ATR-X syndrome; Alpha thalassemia mental retardation syndrome, nondeletion type, X-linked; XLMR hypotonic face syndrome; X-linked alpha-thalassemia-mental retardation syndrome. Identifiers: Orphanet 847, MedGen C1845055, MONDO:0010519, OMIM 301040.

Allele frequency attached by ClinVar (database versions not stated): gnomAD exomes below 0.00001.
gnomAD v4.1: 1 of 1,209,662 alleles (0.000083%); highest among the groups gnomAD compares: Non-Finnish European, 0.00011%; no homozygotes.

Submission:

Labcorp Genetics (formerly Invitae), Labcorp
Classification: Uncertain significance for Alpha thalassemia-X-linked intellectual disability syndrome. Last evaluated: 2023-12-22. Review status: criteria provided, single submitter. Criteria: Invitae Variant Classification Sherloc (09022015). Collection method: clinical testing. Allele origin: germline.
Comment: This sequence change replaces threonine, which is neutral and polar, with serine, which is neutral and polar, at codon 591 of the ATRX protein (p.Thr591Ser). This variant is not present in population databases (gnomAD no frequency). This variant has not been reported in the literature in individuals affected with ATRX-related conditions. Advanced modeling of protein sequence and biophysical properties (such as structural, functional, and spatial information, amino acid conservation, physicochemical variation, residue mobility, and thermodynamic stability) performed at Invitae indicates that this missense variant is not expected to disrupt ATRX protein function with a negative predictive value of 95%. In summary, the available evidence is currently insufficient to determine the role of this variant in disease. Therefore, it has been classified as a Variant of Uncertain Significance.

NM_000489.6(ATRX):c.1772C>G (p.Thr591Ser)

Gene: ATRX (ATRX chromatin remodeler; minus strand). Cytogenetic location: Xq21.1.
Variant type: single nucleotide variant.
Coding change: c.1772C>G on transcript NM_000489.6 (MANE Select); coding-DNA position 1772, C replaced by G.
Protein change: p.Thr591Ser; replaces threonine 591 with serine.
Molecular consequence: missense variant.
Genome position (GRCh38, 1-based): chrX:77,683,484, G>C on the plus strand (C>G on the coding strand, the complement: ATRX is on the minus strand). VCF-style: chrX-77683484-G-C. GRCh37 (hg19) VCF-style: chrX-76938976-G-C.
Other names: c.1658C>G, p.Thr553Ser (NM_138270.5); short protein forms T553S, T591S.
Identifiers: ClinVar variation 2794731 (VCV002794731.3), dbSNP rs2148615196, ClinGen allele CA413716557.
Genomic context (GRCh38, chrX:77,683,484, plus strand): 5'-TCTTGTGGAACTTCCTGACAATCAGCACCTTTAATTGGGGAATTAGAAAGGGAAACAGGA[G>C]TGAGTTTAACATATAATTCTTTTGTTACTTTAGCTGTAGTTTTTGATTTAATACCTCCTC-3'
Protein context (NP_000480.3, residues 581-601): KVTKELYVKL[Thr591Ser]PVSLSNSPIK